The following is an entry in ClinVar:

ClinVar aggregate classification (germline): Uncertain significance (1 of 4 stars; one submission).

Conditions:
Inborn genetic diseases. Identifiers: MedGen C0950123, MeSH D030342.

Submission:

Ambry Genetics
Classification: Uncertain significance for Inborn genetic diseases. Last evaluated: 2025-07-09. Review status: criteria provided, single submitter. Criteria: Ambry Variant Classification Scheme 2023. Collection method: clinical testing. Allele origin: germline.
Comment: The p.S734P variant (also known as c.2200T>C), located in coding exon 15 of the MIB1 gene, results from a T to C substitution at nucleotide position 2200. The serine at codon 734 is replaced by proline, an amino acid with similar properties. This amino acid position is conserved. In addition, the in silico prediction for this alteration is inconclusive. Based on the available evidence, the clinical significance of this variant remains unclear.

NM_020774.4(MIB1):c.2200T>C (p.Ser734Pro)

Gene: MIB1 (MIB E3 ubiquitin protein ligase 1; plus strand). Cytogenetic location: 18q11.2.
Variant type: single nucleotide variant.
Coding change: c.2200T>C on transcript NM_020774.4 (MANE Select); coding-DNA position 2200, T replaced by C.
Protein change: p.Ser734Pro; replaces serine 734 with proline.
Molecular consequence: missense variant.
Genome position (GRCh38, 1-based): chr18:21,844,242, T>C. VCF-style: chr18-21844242-T-C. GRCh37 (hg19) VCF-style: chr18-19424203-T-C.
Other names: short protein forms S734P.
Identifiers: ClinVar variation 4107588 (VCV004107588.1).